The following is an entry in ClinVar:

NM_024747.6(HPS6):c.1513C>T (p.Gln505Ter)

Gene: HPS6 (HPS6 biogenesis of lysosomal organelles complex 2 subunit 3; plus strand). Cytogenetic location: 10q24.32.
Variant type: single nucleotide variant.
Coding change: c.1513C>T on transcript NM_024747.6 (MANE Select); coding-DNA position 1513, C replaced by T.
Protein change: p.Gln505Ter; replaces glutamine 505 with a stop codon.
Molecular consequence: nonsense.
Genome position (GRCh38, 1-based): chr10:102,066,987, C>T. VCF-style: chr10-102066987-C-T. GRCh37 (hg19) VCF-style: chr10-103826744-C-T.
Other names: short protein forms Q505*.
Identifiers: ClinVar variation 2136928 (VCV002136928.6), dbSNP rs753804000, ClinGen allele CA5659998.
Genomic context (GRCh38, chr10:102,066,987, plus strand): 5'-CTGGCGGAGCAGGAAGTGGCACGCCTGCTGAGGACTGAGTTGATAGGAGACCAGCTAGCC[C>T]AGCTCAACACCGTTTTCCAAGCCCTTCCTACAGCAGCCTGGGGTGCCACCCTCAGGGCCC-3'

ClinVar aggregate classification (germline): Pathogenic/Likely pathogenic. Review status: criteria provided, multiple submitters, no conflicts (2 of 4 stars). 2 submissions from 2 submitters: Pathogenic (1); Likely pathogenic (1). Last evaluated 2025-02-03.

Conditions:
Hermansky-Pudlak syndrome 6 (HPS6). Identifiers: Orphanet 231512, Orphanet 79430, MedGen C3888007, MONDO:0013558, OMIM 614075.

Allele frequency attached by ClinVar (database versions not stated): gnomAD exomes below 0.00001; ExAC 0.00001; gnomAD 0.00001.
gnomAD v4.1: 3 of 1,614,062 alleles (0.00019%); highest among the groups gnomAD compares: South Asian, 0.0011%; no homozygotes.

Submissions (2):

Labcorp Genetics (formerly Invitae), Labcorp
Classification: Pathogenic. Last evaluated: 2025-02-03. Review status: criteria provided, single submitter. Criteria: Invitae Variant Classification Sherloc (09022015). Collection method: clinical testing. Allele origin: germline.
Comment: This sequence change creates a premature translational stop signal (p.Gln505*) in the HPS6 gene. While this is not anticipated to result in nonsense mediated decay, it is expected to disrupt the last 271 amino acid(s) of the HPS6 protein. This variant is present in population databases (rs753804000, gnomAD 0.005%). This premature translational stop signal has been observed in individual(s) with Hermansky-Pudlak syndrome (PMID: 27593200, 30387913). In at least one individual the data is consistent with being in trans (on the opposite chromosome) from a pathogenic variant. ClinVar contains an entry for this variant (Variation ID: 2136928). For these reasons, this variant has been classified as Pathogenic.

Laboratorio de Genetica e Diagnostico Molecular, Hospital Israelita Albert Einstein
Classification: Likely pathogenic for Hermansky-Pudlak syndrome 6. Last evaluated: 2022-10-14. Review status: criteria provided, single submitter. Criteria: ACMG Guidelines, 2015. Collection method: clinical testing. Allele origin: germline. Affected: yes.
Comment: ACMG classification criteria: PVS1 strong, PM2 moderated, PM3 moderated

Literature cited by the submitters: PubMed 27593200 (cited by Labcorp Genetics (formerly Invitae), Labcorp); PubMed 30387913 (cited by Labcorp Genetics (formerly Invitae), Labcorp).